The following is an entry in ClinVar:

ClinVar aggregate classification (germline): Pathogenic. Review status: criteria provided, multiple submitters, no conflicts (2 of 4 stars). 19 submissions from 19 submitters: Pathogenic (16). 3 of the submissions do not count toward it. Last evaluated 2026-02-19.

Conditions:
Muscular dystrophy, limb-girdle, autosomal recessive 23. Identifiers: Orphanet 565837, MedGen C4748327, MONDO:0029136, OMIM 618138.
Congenital Muscular Dystrophy, LAMA2-related.
LAMA2-related disorder. Also called: LAMA2-related disorders; LAMA2-related condition.
Merosin deficient congenital muscular dystrophy (MDC1A). Also called: Congenital Muscular Dystrophy Type 1A (MDC1A); Congenital merosin-deficient muscular dystrophy 1A. Identifiers: Orphanet 258, MedGen C1263858, MONDO:0011925, OMIM 607855.
Inborn genetic diseases. Identifiers: MedGen C0950123, MeSH D030342.
LAMA2-related muscular dystrophy (LAMA2-RD). Also called: Laminin alpha 2-related dystrophy. Identifiers: MedGen C5679788, MONDO:0100228.

Allele frequency attached by ClinVar (database versions not stated): TOPMed 0.00003; gnomAD 0.00004; gnomAD exomes 0.00005; ExAC 0.00007.
gnomAD v4.1: 57 of 1,613,630 alleles (0.0035%); highest among the groups gnomAD compares: Admixed American, 0.005%; no homozygotes.

Submissions (19):

Genetics and Genomic Medicine Centre, NeuroGen Healthcare, NeuroGen Healthcare
Classification: Pathogenic for Merosin deficient congenital muscular dystrophy. Last evaluated: 2026-02-19. Review status: criteria provided, single submitter. Criteria: ACMG Guidelines, 2015. Collection method: clinical testing. Allele origin: unknown. Affected: yes.

Labcorp Genetics (formerly Invitae), Labcorp
Classification: Pathogenic for LAMA2-related muscular dystrophy. Last evaluated: 2026-01-28. Review status: criteria provided, single submitter. Criteria: Invitae Variant Classification Sherloc (09022015). Collection method: clinical testing. Allele origin: germline.
Comment: This sequence change creates a premature translational stop signal (p.Arg2578*) in the LAMA2 gene. It is expected to result in an absent or disrupted protein product. Loss-of-function variants in LAMA2 are known to be pathogenic (PMID: 18700894, 32904964). This variant is present in population databases (rs121913572, gnomAD 0.009%). This premature translational stop signal has been observed in individual(s) with congenital muscular dystrophy (PMID: 12601554, 20207543, 21520333, 24611677). In at least one individual the data is consistent with being in trans (on the opposite chromosome) from a pathogenic variant. ClinVar contains an entry for this variant (Variation ID: 14296). For these reasons, this variant has been classified as Pathogenic.

3billion
Classification: Pathogenic for Muscular dystrophy, limb-girdle, autosomal recessive 23. Last evaluated: 2024-06-12. Review status: criteria provided, single submitter. Criteria: ACMG Guidelines, 2015. Collection method: clinical testing. Allele origin: germline. Affected: yes.
Comment: The variant is observed at an extremely low frequency in the gnomAD v4.0.0 dataset (total allele frequency: 0.004%). Predicted Consequence/Location: Stop-gained (nonsense): predicted to result in a loss or disruption of normal protein function through nonsense-mediated decay (NMD) or protein truncation. Multiple pathogenic variants are reported downstream of the variant. The variant has been reported at least twice as pathogenic with clinical assertions and evidence for the classification (ClinVar ID: VCV000014296 /PMID: 12601554). Therefore, this variant is classified as Pathogenic according to the recommendation of ACMG/AMP guideline.

Baylor Genetics
Classification: Pathogenic for Merosin deficient congenital muscular dystrophy. Last evaluated: 2023-07-02. Review status: criteria provided, single submitter. Criteria: ACMG Guidelines, 2015. Collection method: clinical testing. Allele origin: unknown.

Blueprint Genetics
Classification: Pathogenic for LAMA2-related disorders. Last evaluated: 2023-04-12. Review status: criteria provided, single submitter. Criteria: ACMG Guidelines, 2015. Collection method: clinical testing. Allele origin: germline. Affected: yes. Observed: 5 variant alleles.

Revvity Omics, Revvity
Classification: Pathogenic. Last evaluated: 2023-01-03. Review status: criteria provided, single submitter. Criteria: ACMG Guidelines, 2015. Collection method: clinical testing. Allele origin: germline.

CeGaT Center for Human Genetics Tuebingen
Classification: Pathogenic. Last evaluated: 2022-11-01. Review status: criteria provided, single submitter. Criteria: CeGaT Center For Human Genetics Tuebingen Variant Classification Criteria Version 2. Collection method: clinical testing. Allele origin: germline. Affected: yes. Observed: 2 variant alleles.

MGZ Medical Genetics Center
Classification: Pathogenic for Muscular dystrophy, limb-girdle, autosomal recessive 23. Last evaluated: 2022-08-05. Review status: criteria provided, single submitter. Criteria: ACMG Guidelines, 2015. Collection method: clinical testing. Allele origin: germline. Affected: yes. Observed: 1 variant allele.
Comment: ACMG criteria applied: PVS1, PS4_MOD, PM3, PM2_SUP

GeneDx
Classification: Pathogenic. Last evaluated: 2022-04-04. Review status: criteria provided, single submitter. Criteria: GeneDx Variant Classification Process June 2021. Collection method: clinical testing. Allele origin: germline. Affected: yes.
Comment: Nonsense variant predicted to result in protein truncation or nonsense-mediated decay in a gene for which loss of function is a known mechanism of disease; Not observed at significant frequency in large population cohorts (gnomAD); This variant is associated with the following publications: (PMID: 25525159, 32342562, 29212164, 32827036, 33726816, 26962340, 12601554, 29376585)

Illumina Laboratory Services, Illumina
Classification: Pathogenic. Last evaluated: 2021-11-05. Review status: criteria provided, single submitter. Criteria: ICSLVariantClassificationCriteria RUGD 01 April 2020. Collection method: clinical testing. Allele origin: unknown.
Comment: The LAMA2 c.7732C>T (p.Arg2578Ter) variant is a stop-gained variant that is predicted to result in a premature termination of the protein. The p.Arg2578Ter variant has been reported in at least eight individuals with LAMA2-related congenital muscular dystrophy including in a homozygous state in four affected individuals (including one pair of siblings), and in a compound heterozygous state in four affected individuals (Coral-Vazquez et al. 2003; Xiong et al. 2015; Incecik et al. 2015; Yiş et al. 2017; Jayakody et al. 2020 Kanzoska et al. 2021). Additionally, six unaffected heterozygous carriers were identified in one family (Coral-Vazquez et al. 2003). The variant is found at a frequency of 0.000085 in the Latino/Admixed American population of the Genome Aggregation Database (version 2.1.1). Based on the evidence, the p.Arg2578Ter variant is classified as pathogenic for LAMA2-related congenital muscular dystrophy.

Ambry Genetics
Classification: Pathogenic for Inborn genetic diseases. Last evaluated: 2021-06-25. Review status: criteria provided, single submitter. Criteria: Ambry Variant Classification Scheme 2023. Collection method: clinical testing. Allele origin: germline.
Comment: The c.7732C>T (p.R2578*) alteration, located in exon 55 (coding exon 55) of the LAMA2 gene, consists of a C to T substitution at nucleotide position 7732. This changes the amino acid from an arginine (R) to a stop codon at amino acid position 2578. This alteration is expected to result in loss of function by premature protein truncation or nonsense-mediated mRNA decay. This mutation has been reported in several individuals with LAMA2-related muscular dystrophy in both the homozygous and compound heterozygous states (Coral-Vazquez, 2003; Geranmayeh, 2010; Xiong, 2015; Yi, 2017; Jayakody, 2020). Based on the available evidence, this alteration is classified as pathogenic.

Fulgent Genetics
Classification: Pathogenic for Merosin deficient congenital muscular dystrophy; Muscular dystrophy, limb-girdle, autosomal recessive 23. Last evaluated: 2018-10-31. Review status: criteria provided, single submitter. Criteria: ACMG Guidelines, 2015. Collection method: clinical testing. Allele origin: unknown.

Clinical Genetics and Genomics, Karolinska University Hospital
Classification: Pathogenic. Last evaluated: 2016-12-16. Review status: criteria provided, single submitter. Criteria: ACMG Guidelines, 2015. Collection method: clinical testing. Allele origin: germline. Affected: yes. Observed: 1 variant allele.

Eurofins Ntd Llc (ga)
Classification: Pathogenic. Last evaluated: 2013-04-05. Review status: criteria provided, single submitter. Criteria: EGL Classification Definitions. Collection method: clinical testing. Allele origin: germline. Observed: 3 variant alleles, 2 heterozygotes, 1 homozygote.

Institute of Medical Genetics and Genomics, Sir Ganga Ram Hospital
Classification: Pathogenic for Merosin deficient congenital muscular dystrophy. Review status: criteria provided, single submitter. Criteria: ACMG Guidelines, 2015. Collection method: clinical testing. Allele origin: germline. Inheritance: Autosomal recessive inheritance. Affected: yes. Observed: 2 variant alleles, 2 homozygotes.
Comment: A homozygous 1 base single nucleotide variant (SNV) has been identified in LAMA2 gene. This change is present in coding exon 55 of this gene resulting a nonsense event [PVS1]. This nonsense variants is present in the gnomAD (aggregated) database with an allele frequency of 0.0053% [15 Heterozygotes, 00 Homozygotes] [PM2]. This variant is submitted in clinvar database [Variation ID: VCV000014296.55] with a pathogenic interpretation by multiple submitters [PP5]. The identified variant have been reported in patients affected with congenital muscular dystrophy PMID:20207543, 24611677. Based on the available evidences, and phenotypic overlap with the clinical symptoms of the proband, the variant has been clasified as “ Pathogenic”.

Neuberg Centre For Genomic Medicine, NCGM
Classification: Pathogenic for Muscular dystrophy, limb-girdle, autosomal recessive 23. Review status: criteria provided, single submitter. Criteria: ACMG Guidelines, 2015. Collection method: clinical testing. Allele origin: germline. Inheritance: Autosomal recessive inheritance. Affected: yes.
Comment: The stop gained c.7732C>T (p.Arg2578Ter) variant has been observed in individuals with congenital muscular dystrophy (CoralVazquez RM et al). This p.Arg2578Ter variant has allele frequency of 0.0053% in the gnomAD and novel (not in any individuals) in 1000 genome database. This variant has been reported to the ClinVar database as Pathogenic. The nucleotide change c.7732C>T in LAMA2 is predicted as conserved by GERP++ and PhyloP across 100 vertebrates. This variant is predicted to cause loss of normal protein function through protein truncation. Loss of function variants have been previously reported to be disease causing. For these reasons, this variant has been classified as Pathogenic. In the absence of another reportable variant / CNV, the molecular diagnosis is not confirmed.

PreventionGenetics, part of Exact Sciences
Classification: Pathogenic for LAMA2-related condition. Last evaluated: 2024-02-07. Review status: no assertion criteria provided. Collection method: clinical testing. Allele origin: germline. Not counted in ClinVar's aggregate classification.
Comment: The LAMA2 c.7732C>T variant is predicted to result in premature protein termination (p.Arg2578*). This variant was reported to be causative for autosomal recessive congenital muscular dystrophy (Coral-Vazquez et al. 2003. PubMed ID: 12601554; Jayakody et al. 2020. PubMed ID: 32827036). This variant is reported in 0.0085% of alleles in individuals of Latino descent in gnomAD. Nonsense variants in LAMA2 are expected to be pathogenic. This variant is interpreted as pathogenic.

Counsyl
Classification: Pathogenic for Merosin deficient congenital muscular dystrophy. Last evaluated: 2017-06-09. Review status: no assertion criteria provided. Collection method: clinical testing. Allele origin: unknown. Not counted in ClinVar's aggregate classification.

OMIM
Classification: Pathogenic for MUSCULAR DYSTROPHY, CONGENITAL MEROSIN-DEFICIENT. Last evaluated: 2003-01-01. Review status: no assertion criteria provided. Collection method: literature only. Allele origin: germline. Not counted in ClinVar's aggregate classification.

Literature cited by the submitters: PubMed 18700894 (cited by Labcorp Genetics (formerly Invitae), Labcorp); PubMed 32904964 (cited by Labcorp Genetics (formerly Invitae), Labcorp); PubMed 12601554 (cited by 5 submitters); PubMed 20207543 (cited by 4 submitters); PubMed 21520333 (cited by Labcorp Genetics (formerly Invitae), Labcorp); PubMed 24611677 (cited by 4 submitters); PubMed 26962340 (cited by Illumina Laboratory Services, Illumina); PubMed 29376585 (cited by Illumina Laboratory Services, Illumina and Ambry Genetics); PubMed 32827036 (cited by Illumina Laboratory Services, Illumina and Ambry Genetics).

NM_000426.4(LAMA2):c.7732C>T (p.Arg2578Ter)

Gene: LAMA2 (laminin subunit alpha 2; plus strand). Cytogenetic location: 6q22.33.
Variant type: single nucleotide variant.
Coding change: c.7732C>T on transcript NM_000426.4 (MANE Select); coding-DNA position 7732, C replaced by T.
Protein change: p.Arg2578Ter; replaces arginine 2578 with a stop codon.
Molecular consequence: nonsense.
Genome position (GRCh38, 1-based): chr6:129,481,422, C>T. VCF-style: chr6-129481422-C-T. GRCh37 (hg19) VCF-style: chr6-129802567-C-T.
Other names: c.7720C>T, p.Arg2574Ter (NM_001079823.2); short protein forms R2578*, R2574*.
Identifiers: ClinVar variation 14296 (VCV000014296.58), dbSNP rs121913572, ClinGen allele CA220807.
Genomic context (GRCh38, chr6:129,481,422, plus strand): 5'-AATGAGTCCGGCATCATTCTTTTGGGAAGTGGAGGGACACCAGCACCACCTAGGAGAAAA[C>T]GAAGGCAGACTGGACAGGTACCCTCACACCTAGCTGATAATGCATTTTCCCTAATGCTTA-3'